The following is an entry in ClinVar:

ClinVar aggregate classification (germline): Pathogenic (1 of 4 stars; one submission).

Conditions:
Exostoses, multiple, type 2 (EXT2). Also called: Hereditary Multiple Osteochondromatosis, Type II; EXOSTOSES, MULTIPLE, TYPE II. Identifiers: Orphanet 321, MedGen C1851413, MONDO:0007586, OMIM 133701.

Submission:

Labcorp Genetics (formerly Invitae), Labcorp
Classification: Pathogenic for Exostoses, multiple, type 2. Last evaluated: 2020-10-25. Review status: criteria provided, single submitter. Criteria: Invitae Variant Classification Sherloc (09022015). Collection method: clinical testing. Allele origin: germline.
Comment: For these reasons, this variant has been classified as Pathogenic. This nonsense change has been observed in individual(s) with multiple osteochondromas (PMID: 28849184, 19810120). It is also known as p.Trp462*. This variant is not present in population databases (ExAC no frequency). This sequence change creates a premature translational stop signal (p.Trp429*) in the EXT2 gene. It is expected to result in an absent or disrupted protein product. Loss-of-function variants in EXT2 are known to be pathogenic (PMID: 10679937, 19810120).

Literature cited by the submitters: PubMed 28849184; PubMed 19810120; PubMed 10679937.

NM_207122.2(EXT2):c.1287G>A (p.Trp429Ter)

Gene: EXT2 (exostosin glycosyltransferase 2; plus strand). Cytogenetic location: 11p11.2.
Variant type: single nucleotide variant.
Coding change: c.1287G>A on transcript NM_207122.2 (MANE Select); coding-DNA position 1287, G replaced by A.
Protein change: p.Trp429Ter; replaces tryptophan 429 with a stop codon.
Molecular consequence: nonsense.
Genome position (GRCh38, 1-based): chr11:44,171,724, G>A. VCF-style: chr11-44171724-G-A. GRCh37 (hg19) VCF-style: chr11-44193274-G-A.
Other names: c.1386G>A, p.Trp462Ter (NM_000401.3); c.1317G>A, p.Trp439Ter (NM_001178083.3); short protein forms W429*, W439*, W462*.
Identifiers: ClinVar variation 1073639 (VCV001073639.9), dbSNP rs1403873034, ClinGen allele CA380175640.
Genomic context (GRCh38, chr11:44,171,724, plus strand): 5'-CACCCTGCAGATTATCAATGACCGGATCTATCCATATGCTGCCATCTCCTATGAAGAATG[G>A]AATGACCCTCCTGCTGTGGTAAGTGAATTCCAGTGCTAGCCACATGAGGCATGGTCCAGC-3'